The following is an entry in ClinVar:

NM_002471.4(MYH6):c.3418G>C (p.Asp1140His)

Gene: MYH6 (myosin heavy chain 6; minus strand). Cytogenetic location: 14q11.2.
Variant type: single nucleotide variant.
Coding change: c.3418G>C on transcript NM_002471.4 (MANE Select); coding-DNA position 3418, G replaced by C.
Protein change: p.Asp1140His; replaces aspartic acid 1140 with histidine.
Molecular consequence: missense variant.
Genome position (GRCh38, 1-based): chr14:23,390,371, C>G on the plus strand (G>C on the coding strand, the complement: MYH6 is on the minus strand). VCF-style: chr14-23390371-C-G. GRCh37 (hg19) VCF-style: chr14-23859580-C-G.
Other names: short protein forms D1140H.
Identifiers: ClinVar variation 2567214 (VCV002567214.3), dbSNP rs778761305, ClinGen allele CA7115190.
Genomic context (GRCh38, chr14:23,390,371, plus strand): 5'-ACGTGGCCCCGCCGGCCTCTTCCAGCCGCTCGCTGATCTCCTCCAGCTCCCGAGACAGGT[C>G]TGAGCGCAGCTTCTCCACCTTAGCCCTGGCGGTGCGCTCGGCCTCCAGCTCCTCCTCCAG-3'
Protein context (NP_002462.2, residues 1130-1150): ARAKVEKLRS[Asp1140His]LSRELEEISE

ClinVar aggregate classification (germline): Uncertain significance. Review status: criteria provided, multiple submitters, no conflicts (2 of 4 stars). 2 submissions from 2 submitters: Uncertain significance (2). Last evaluated 2026-01-21.

Conditions:
Cardiovascular phenotype. Identifiers: MedGen CN230736.
Hypertrophic cardiomyopathy 14. Identifiers: MedGen C2750467, MONDO:0013197, OMIM 613251.

Allele frequency attached by ClinVar (database versions not stated): gnomAD exomes below 0.00001; gnomAD 0.00001; ExAC 0.00003.
gnomAD v4.1: 6 of 1,606,794 alleles (0.00037%); highest among the groups gnomAD compares: East Asian, 0.0067%; no homozygotes.

Submissions (2):

Labcorp Genetics (formerly Invitae), Labcorp
Classification: Uncertain significance for Hypertrophic cardiomyopathy 14. Last evaluated: 2026-01-21. Review status: criteria provided, single submitter. Criteria: Invitae Variant Classification Sherloc (09022015). Collection method: clinical testing. Allele origin: germline.
Comment: This sequence change replaces aspartic acid, which is acidic and polar, with histidine, which is basic and polar, at codon 1140 of the MYH6 protein (p.Asp1140His). This variant is present in population databases (rs778761305, gnomAD 0.02%). This variant has not been reported in the literature in individuals affected with MYH6-related conditions. ClinVar contains an entry for this variant (Variation ID: 2567214). Invitae Evidence Modeling of protein sequence and biophysical properties (such as structural, functional, and spatial information, amino acid conservation, physicochemical variation, residue mobility, and thermodynamic stability) indicates that this missense variant is expected to disrupt MYH6 protein function with a positive predictive value of 80%. In summary, the available evidence is currently insufficient to determine the role of this variant in disease. Therefore, it has been classified as a Variant of Uncertain Significance.

Ambry Genetics
Classification: Uncertain significance for Cardiovascular phenotype. Last evaluated: 2023-05-22. Review status: criteria provided, single submitter. Criteria: Ambry Variant Classification Scheme 2023. Collection method: clinical testing. Allele origin: germline.
Comment: The p.D1140H variant (also known as c.3418G>C), located in coding exon 24 of the MYH6 gene, results from a G to C substitution at nucleotide position 3418. The aspartic acid at codon 1140 is replaced by histidine, an amino acid with similar properties. This amino acid position is conserved. In addition, the in silico prediction for this alteration is inconclusive. Since supporting evidence is limited at this time, the clinical significance of this alteration remains unclear.